The following is an entry in ClinVar:

ClinVar aggregate classification (germline): Pathogenic (1 of 4 stars; one submission).

Conditions:
Epidermolysis bullosa simplex, Ogna type (EBS5A). Also called: Pidermolysis bullosa simplex 5A, Ogna type; EPIDERMOLYSIS BULLOSA SIMPLEX 5A, OGNA TYPE. Identifiers: Orphanet 79401, MedGen C0432317, MONDO:0007555, OMIM 131950.
Epidermolysis bullosa simplex with nail dystrophy (EBS5D). Identifiers: MedGen C4225309, MONDO:0014661, OMIM 616487.
Epidermolysis bullosa simplex 5B, with muscular dystrophy (EBS5B). Also called: Epidermolysis bullosa simplex with muscular dystrophy; EPIDERMOLYSIS BULLOSA SIMPLEX AND LIMB-GIRDLE MUSCULAR DYSTROPHY. Identifiers: Orphanet 257, MedGen C2931072, MONDO:0009181, OMIM 226670.
Epidermolysis bullosa simplex 5C, with pyloric atresia (EBS5C). Also called: PLEC1-Related Epidermolysis Bullosa with Pyloric Atresia; Epidermolysis bullosa simplex with pyloric atresia; PLEC-Related Epidermolysis Bullosa with Pyloric Atresia. Identifiers: Orphanet 158684, MedGen C2677349, MONDO:0012807, OMIM 612138.
Autosomal recessive limb-girdle muscular dystrophy type 2Q (LGMDR17). Also called: MUSCULAR DYSTROPHY, LIMB-GIRDLE, AUTOSOMAL RECESSIVE 17. Identifiers: Orphanet 254361, MedGen C3150989, MONDO:0013390, OMIM 613723.

Submission:

Labcorp Genetics (formerly Invitae), Labcorp
Classification: Pathogenic for Autosomal recessive limb-girdle muscular dystrophy type 2Q; Epidermolysis bullosa simplex, Ogna type; Epidermolysis bullosa simplex with nail dystrophy; Epidermolysis bullosa simplex 5C, with pyloric atresia; Epidermolysis bullosa simplex 5B, with muscular dystrophy. Last evaluated: 2022-10-18. Review status: criteria provided, single submitter. Criteria: Invitae Variant Classification Sherloc (09022015). Collection method: clinical testing. Allele origin: unknown.
Comment: For these reasons, this variant has been classified as Pathogenic. This variant disrupts a region of the PLEC protein in which other variant(s) (p.Lys4460*) have been determined to be pathogenic (PMID: 10652002). This suggests that this is a clinically significant region of the protein, and that variants that disrupt it are likely to be disease-causing. This variant has not been reported in the literature in individuals affected with PLEC-related conditions. This variant is a gross deletion of the genomic region encompassing exon(s) 33 of the PLEC gene, which includes the termination codon. This deletion extends beyond the assayed region for this gene and therefore may encompass additional genes. While this deletion is not anticipated to lead to nonsense mediated decay, it is expected to alter mRNA translation or result in a truncated protein product.

Literature cited by the submitters: PubMed 10652002.

NC_000008.10:g.(?_144990345)_(144996583_?)del

Gene: PLEC (plectin; minus strand). Cytogenetic location: 8q24.3.
Variant type: Deletion.
Identifiers: ClinVar variation 3245519 (VCV003245519.1).